The following is an entry in ClinVar:

NM_001130438.3(SPTAN1):c.959G>A (p.Arg320His)

Gene: SPTAN1 (spectrin alpha, non-erythrocytic 1; plus strand). Cytogenetic location: 9q34.11.
Variant type: single nucleotide variant.
Coding change: c.959G>A on transcript NM_001130438.3 (MANE Select); coding-DNA position 959, G replaced by A.
Protein change: p.Arg320His; replaces arginine 320 with histidine.
Molecular consequence: missense variant.
Genome position (GRCh38, 1-based): chr9:128,577,380, G>A. VCF-style: chr9-128577380-G-A. GRCh37 (hg19) VCF-style: chr9-131339659-G-A.
Other names: p.R320H:CGC>CAC; c.959G>A, p.Arg320His (NM_001195532.2, NM_001363759.2, NM_001363765.2 and 1 more transcripts); short protein forms R320H.
Identifiers: ClinVar variation 207315 (VCV000207315.19), dbSNP rs140076136, ClinGen allele CA318662.

ClinVar aggregate classification (germline): Conflicting classifications of pathogenicity. Review status: criteria provided, conflicting classifications (1 of 4 stars). 4 submissions from 4 submitters: Uncertain significance (2); Likely benign (2). Last evaluated 2026-01-27.

Conditions:
Early-infantile DEE. Also called: Ohtahara syndrome; Early infantile epileptic encephalopathy; Early infantile epileptic encephalopathy with suppression bursts. Identifiers: Orphanet 1934, MedGen C0393706, MONDO:0800491.
Developmental and epileptic encephalopathy, 5 (DEE5). Identifiers: Orphanet 3451, MedGen C3150731, MONDO:0013277, OMIM 613477.

Allele frequency attached by ClinVar (database versions not stated): ExAC 0.00002; gnomAD exomes 0.00004; gnomAD 0.00011; TOPMed 0.00015; ESP Exome Variant Server 0.00023.
gnomAD v4.1: 240 of 1,614,068 alleles (0.015%); highest among the groups gnomAD compares: Non-Finnish European, 0.019%; no homozygotes.

Submissions (4):

Labcorp Genetics (formerly Invitae), Labcorp
Classification: Likely benign for Early-infantile DEE. Last evaluated: 2026-01-27. Review status: criteria provided, single submitter. Criteria: Invitae Variant Classification Sherloc (09022015). Collection method: clinical testing. Allele origin: germline.

Genome-Nilou Lab
Classification: Likely benign for Developmental and epileptic encephalopathy, 5. Last evaluated: 2021-07-15. Review status: criteria provided, single submitter. Criteria: ACMG Guidelines, 2015. Collection method: clinical testing. Allele origin: germline. Affected: no.

Eurofins Ntd Llc (ga)
Classification: Uncertain significance. Last evaluated: 2017-02-02. Review status: criteria provided, single submitter. Criteria: EGL Classification Definitions 2015. Collection method: clinical testing. Allele origin: germline. Observed: 1 variant allele, 1 heterozygote.

GeneDx
Classification: Uncertain significance. Last evaluated: 2012-04-12. Review status: criteria provided, single submitter. Criteria: GeneDx Variant Classification (06012015). Collection method: clinical testing. Allele origin: germline. Affected: yes.
Comment: p.Arg320His (CGC>CAC): c.959 G>A in exon 8 of the SPTAN1 gene (NM_001130438.1) The Arg320His missense substitution has not been published as a mutation, nor has it been reported as a benign polymorphism to our knowledge. The NHLBI ESP Exome Variant Project did not identify Arg320His in approximately 5000 individuals of European or African American ethnicity, indicating that it is not a common benign variant in these populations. Arg320His alters a position that is highly conserved in the alpha-II spectrin protein, and multiple in silico algorithms predict this variant may be damaging to protein structure/function. However, previously reported pathogenic missense mutations in SPTAN1 are located within the last four spectrin repeats that are essential for dimerization (Saitsu et al., 2010), and the Arg320 residue is outside this region. Additionally, the amino acid substitution is conservative, as Arginine and Histidine are both positively charged amino acids. Therefore, based on the currently available information it is unclear whether Arg320His is a disease-causing mutation or a rare benign variant. The variant is found in INFANT-EPI panel(s).